The following is an entry in ClinVar:

NM_152564.5(VPS13B):c.7748C>T (p.Ser2583Leu)

Gene: VPS13B (vacuolar protein sorting 13 homolog B; plus strand). Cytogenetic location: 8q22.2.
Variant type: single nucleotide variant.
Coding change: c.7748C>T on transcript NM_152564.5 (MANE Select); coding-DNA position 7748, C replaced by T.
Protein change: p.Ser2583Leu; replaces serine 2583 with leucine.
Molecular consequence: missense variant.
Genome position (GRCh38, 1-based): chr8:99,779,000, C>T. VCF-style: chr8-99779000-C-T. GRCh37 (hg19) VCF-style: chr8-100791228-C-T.
Other names: c.7823C>T, p.Ser2608Leu (NM_017890.5); short protein forms S2583L, S2608L.
Identifiers: ClinVar variation 5000463 (VCV005000463.1).

ClinVar aggregate classification (germline): Uncertain significance (1 of 4 stars; one submission).

Conditions:
VPS13B-related disorder. Also called: VPS13B-related condition.

Submission:

PreventionGenetics, part of Exact Sciences
Classification: Uncertain significance for VPS13B-related condition. Last evaluated: 2025-05-07. Review status: criteria provided, single submitter. Criteria: ACMG Guidelines, 2015. Collection method: clinical testing. Allele origin: germline.
Comment: The VPS13B c.7748C>T variant is predicted to result in the amino acid substitution p.Ser2583Leu. To our knowledge, this variant has not been reported in the literature or in a large population database (gnomAD), indicating this variant is rare. At this time, the clinical significance of this variant is uncertain due to the absence of conclusive functional and genetic evidence.